The following is an entry in ClinVar:

ClinVar aggregate classification (germline): Uncertain significance (1 of 4 stars; one submission).

Conditions:
Hereditary cancer-predisposing syndrome. Also called: Tumor predisposition; Hereditary neoplastic syndrome; Neoplastic Syndromes, Hereditary; Hereditary Cancer Syndrome. Identifiers: Orphanet 140162, MedGen C0027672, MeSH D009386, MONDO:0015356.

gnomAD v4.1: 1 of 1,613,898 alleles (0.000062%); highest among the groups gnomAD compares: Non-Finnish European, 0.000085%; no homozygotes.

Submission:

Ambry Genetics
Classification: Uncertain significance for Hereditary cancer-predisposing syndrome. Last evaluated: 2025-05-04. Review status: criteria provided, single submitter. Criteria: Ambry Variant Classification Scheme 2023. Collection method: clinical testing. Allele origin: germline.
Comment: The p.G485D variant (also known as c.1454G>A), located in coding exon 12 of the EGFR gene, results from a G to A substitution at nucleotide position 1454. The glycine at codon 485 is replaced by aspartic acid, an amino acid with similar properties. This amino acid position is conserved. In addition, this alteration is predicted to be tolerated by in silico analysis. Based on the available evidence, the clinical significance of this variant remains unclear.

NM_005228.5(EGFR):c.1454G>A (p.Gly485Asp)

Gene: EGFR (epidermal growth factor receptor; plus strand). Cytogenetic location: 7p11.2.
Variant type: single nucleotide variant.
Coding change: c.1454G>A on transcript NM_005228.5 (MANE Select); coding-DNA position 1454, G replaced by A.
Protein change: p.Gly485Asp; replaces glycine 485 with aspartic acid.
Molecular consequence: missense variant.
Genome position (GRCh38, 1-based): chr7:55,160,294, G>A. VCF-style: chr7-55160294-G-A. GRCh37 (hg19) VCF-style: chr7-55227987-G-A.
Other names: c.1319G>A, p.Gly440Asp (NM_001346897.2, NM_001346899.2); c.1454G>A, p.Gly485Asp (NM_001346898.2, NM_201282.2, NM_201284.2); c.1295G>A, p.Gly432Asp (NM_001346900.2); c.653G>A, p.Gly218Asp (NM_001346941.2); short protein forms G485D, G218D, G432D, G440D.
Identifiers: ClinVar variation 4016763 (VCV004016763.1).
Genomic context (GRCh38, chr7:55,160,294, plus strand): 5'-GAAACAAAAATTTGTGCTATGCAAATACAATAAACTGGAAAAAACTGTTTGGGACCTCCG[G>A]TCAGAAAACCAAAATTATAAGCAACAGAGGTGAAAACAGCTGCAGTAAGTCACCGCTTTC-3'
Protein context (NP_005219.2, residues 475-495): INWKKLFGTS[Gly485Asp]QKTKIISNRG